The following is an entry in ClinVar:

ClinVar aggregate classification (germline): Uncertain significance (1 of 4 stars; one submission).

Conditions:
Juvenile polyposis syndrome (JPS). Identifiers: Orphanet 2929, MedGen C0345893, MONDO:0017380, OMIM 174900.

Submission:

Labcorp Genetics (formerly Invitae), Labcorp
Classification: Uncertain significance for Juvenile polyposis syndrome. Last evaluated: 2019-04-22. Review status: criteria provided, single submitter. Criteria: Invitae Variant Classification Sherloc (09022015). Collection method: clinical testing. Allele origin: germline.
Comment: This sequence change replaces glycine with glutamic acid at codon 236 of the SMAD4 protein (p.Gly236Glu). The glycine residue is highly conserved and there is a moderate physicochemical difference between glycine and glutamic acid. This variant is not present in population databases (ExAC no frequency). This variant has not been reported in the literature in individuals with SMAD4-related disease. Algorithms developed to predict the effect of missense changes on protein structure and function do not agree on the potential impact of this missense change (SIFT: "Deleterious"; PolyPhen-2: "Benign"; Align-GVGD: "Class C0"). In summary, the available evidence is currently insufficient to determine the role of this variant in disease. Therefore, it has been classified as a Variant of Uncertain Significance.

NM_005359.6(SMAD4):c.707G>A (p.Gly236Glu)

Gene: SMAD4 (SMAD family member 4; plus strand). Cytogenetic location: 18q21.2.
Variant type: single nucleotide variant.
Coding change: c.707G>A on transcript NM_005359.6 (MANE Select); coding-DNA position 707, G replaced by A.
Protein change: p.Gly236Glu; replaces glycine 236 with glutamic acid.
Molecular consequence: missense variant.
Genome position (GRCh38, 1-based): chr18:51,058,164, G>A. VCF-style: chr18-51058164-G-A. GRCh37 (hg19) VCF-style: chr18-48584534-G-A.
Other names: short protein forms G236E.
Identifiers: ClinVar variation 571683 (VCV000571683.10), dbSNP rs1568206062, ClinGen allele CA402462751.